The following is an entry in ClinVar:

ClinVar aggregate classification (germline): Uncertain significance (1 of 4 stars; one submission).

Submission:

GeneDx
Classification: Uncertain significance. Last evaluated: 2024-02-15. Review status: criteria provided, single submitter. Criteria: GeneDx Variant Classification Process June 2021. Collection method: clinical testing. Allele origin: germline. Affected: yes.
Comment: Not observed at significant frequency in large population cohorts (gnomAD); In silico analysis supports that this missense variant does not alter protein structure/function; Has not been previously published as pathogenic or benign to our knowledge

NM_001039141.3(TRIOBP):c.1182C>G (p.Asn394Lys)

Gene: TRIOBP (TRIO and F-actin binding protein; plus strand). Cytogenetic location: 22q13.1.
Variant type: single nucleotide variant.
Coding change: c.1182C>G on transcript NM_001039141.3 (MANE Select); coding-DNA position 1182, C replaced by G.
Protein change: p.Asn394Lys; replaces asparagine 394 with lysine.
Molecular consequence: missense variant.
Genome position (GRCh38, 1-based): chr22:37,723,738, C>G. VCF-style: chr22-37723738-C-G. GRCh37 (hg19) VCF-style: chr22-38119745-C-G.
Other names: short protein forms N394K.
Identifiers: ClinVar variation 3369219 (VCV003369219.1).